The following is an entry in ClinVar:

NM_000093.5(COL5A1):c.5159G>T (p.Gly1720Val)

Genes: COL5A1 (collagen type V alpha 1 chain; plus strand), LOC101448202 (uncharacterized LOC101448202; minus strand). Cytogenetic location: 9q34.3.
Variant type: single nucleotide variant.
Coding change: c.5159G>T on transcript NM_000093.5 (MANE Select); coding-DNA position 5159, G replaced by T.
Protein change: p.Gly1720Val; replaces glycine 1720 with valine.
Molecular consequence: missense variant.
Genome position (GRCh38, 1-based): chr9:134,834,993, G>T. VCF-style: chr9-134834993-G-T. GRCh37 (hg19) VCF-style: chr9-137726839-G-T.
Other names: c.5159G>T, p.Gly1720Val (NM_001278074.1); short protein forms G1720V.
Identifiers: ClinVar variation 582936 (VCV000582936.11), dbSNP rs1243519195, ClinGen allele CA375460293.

ClinVar aggregate classification (germline): Uncertain significance (1 of 4 stars; one submission).

Conditions:
Ehlers-Danlos syndrome, classic type, 1 (EDSCL1). Also called: Ehlers-Danlos Syndrome, Classic Type, COL5A1-Related; EDS I; Ehlers-Danlos syndrome, type 1; EHLERS-DANLOS SYNDROME, GRAVIS TYPE; EHLERS-DANLOS SYNDROME, SEVERE CLASSIC TYPE. Identifiers: MedGen C0268335, MONDO:0019567, OMIM 130000.

Submission:

Labcorp Genetics (formerly Invitae), Labcorp
Classification: Uncertain significance for Ehlers-Danlos syndrome, classic type, 1. Last evaluated: 2025-04-09. Review status: criteria provided, single submitter. Criteria: Invitae Variant Classification Sherloc (09022015). Collection method: clinical testing. Allele origin: germline.
Comment: This sequence change replaces glycine, which is neutral and non-polar, with valine, which is neutral and non-polar, at codon 1720 of the COL5A1 protein (p.Gly1720Val). This variant is not present in population databases (gnomAD no frequency). This variant has not been reported in the literature in individuals affected with COL5A1-related conditions. ClinVar contains an entry for this variant (Variation ID: 582936). Invitae Evidence Modeling of protein sequence and biophysical properties (such as structural, functional, and spatial information, amino acid conservation, physicochemical variation, residue mobility, and thermodynamic stability) has been performed for this missense variant. However, the output from this modeling did not meet the statistical confidence thresholds required to predict the impact of this variant on COL5A1 protein function. In summary, the available evidence is currently insufficient to determine the role of this variant in disease. Therefore, it has been classified as a Variant of Uncertain Significance.